The following is an entry in ClinVar:

ClinVar aggregate classification (germline): Pathogenic/Likely pathogenic. Review status: criteria provided, multiple submitters, no conflicts (2 of 4 stars). 2 submissions from 2 submitters: Pathogenic (1); Likely pathogenic (1). Last evaluated 2024-04-04.

Conditions:
Drash syndrome (DDS). Also called: NEPHROPATHY, WILMS TUMOR, AND GENITAL ANOMALIES; WILMS TUMOR AND PSEUDO- OR TRUE HERMAPHRODITISM. Identifiers: Orphanet 220, MedGen C0950121, MONDO:0008682, OMIM 194080.
Frasier syndrome. Identifiers: Orphanet 347, MedGen C0950122, MeSH D052159, MONDO:0007635, OMIM 136680.
Wilms tumor 1 (WT1). Also called: Wilms tumor, somatic. Identifiers: Orphanet 654, MedGen CN033288, MONDO:0008679, OMIM 194070.
11p partial monosomy syndrome (WAGR). Also called: WAGR Complex; WAGR syndrome; CHROMOSOME 11p13 DELETION SYNDROME; WAGR Spectrum Disorder. Identifiers: Orphanet 893, MedGen C0206115, MONDO:0008681, OMIM 194072.

Submissions (2):

Labcorp Genetics (formerly Invitae), Labcorp
Classification: Pathogenic for Wilms tumor 1; Drash syndrome; 11p partial monosomy syndrome; Frasier syndrome. Last evaluated: 2024-04-04. Review status: criteria provided, single submitter. Criteria: Invitae Variant Classification Sherloc (09022015). Collection method: clinical testing. Allele origin: germline.
Comment: This sequence change creates a premature translational stop signal (p.Pro132Argfs*26) in the WT1 gene. It is expected to result in an absent or disrupted protein product. Loss-of-function variants in WT1 are known to be pathogenic (PMID: 15150775). This variant is not present in population databases (gnomAD no frequency). This variant has not been reported in the literature in individuals affected with WT1-related conditions. ClinVar contains an entry for this variant (Variation ID: 2664749). For these reasons, this variant has been classified as Pathogenic.

Genetics and Molecular Pathology, SA Pathology
Classification: Likely pathogenic for Wilms tumor 1. Last evaluated: 2023-03-03. Review status: criteria provided, single submitter. Criteria: ACMG Guidelines, 2015. Collection method: clinical testing. Allele origin: germline. Inheritance: Autosomal dominant inheritance. Affected: yes.
Comment: The WT1 c.410del variant is classified as Likely Pathogenic (PVS1, PM2) This WT1 c.410del variant is located in exon 1/10 and is predicted to cause a shift in the reading frame at codon 137, introducing a premature termination codon 26 amino acids downstream (PVS1). This variant is absent from population databases (PM2). This variant has not been reported in dbSNP, ClinVar or HGMD. This variant has not been reported in the scientific literature to date.

Literature cited by the submitters: PubMed 15150775 (cited by Labcorp Genetics (formerly Invitae), Labcorp).

NM_024426.6(WT1):c.410del (p.Pro137fs)

Genes: WT1 (WT1 transcription factor; minus strand), LOC107982234 (WT1/WT1-AS bi-directional promoter region; plus strand). Cytogenetic location: 11p13.
Variant type: Deletion.
Coding change: c.410del on transcript NM_024426.6 (MANE Select); coding-DNA position 410, one base deleted (C; older notation c.410delC).
Protein change: p.Pro137fs; shifts the reading frame from proline 137.
Molecular consequence: frameshift variant. On other transcripts: non-coding transcript variant (2).
Genome position (GRCh38, 1-based): chr11:32,434,951, G deleted on the plus strand (C on the coding strand, the reverse complement: WT1 is on the minus strand); the first of 5 consecutive G bases (chr11:32,434,951-32,434,955); deleting any one gives the same sequence. VCF-style (leftmost placement, unchanged base first): chr11-32434950-CG-C. GRCh37 (hg19) VCF-style: chr11-32456496-CG-C.
Other names: c.410del, p.Pro137fs (NM_000378.6, NM_001407044.1, NM_001407045.1 and 6 more transcripts); c.391delC, p.Pro132Argfs (NM_024425.2); c.410delC (NM_024426.6); short protein forms P137fs.
Identifiers: ClinVar variation 2664749 (VCV002664749.3), dbSNP rs2494480771, ClinGen allele CA2573334573.